The following is an entry in ClinVar:

NM_000396.4(CTSK):c.120+1G>A

Gene: CTSK (cathepsin K; minus strand). Cytogenetic location: 1q21.3.
Variant type: single nucleotide variant.
Coding change: c.120+1G>A on transcript NM_000396.4 (MANE Select); the canonical splice donor site of the intron after coding-DNA position 120, G replaced by A.
Molecular consequence: splice donor variant.
Genome position (GRCh38, 1-based): chr1:150,806,685, C>T on the plus strand (G>A on the coding strand, the complement: CTSK is on the minus strand). VCF-style: chr1-150806685-C-T. GRCh37 (hg19) VCF-style: chr1-150779161-C-T.
Identifiers: ClinVar variation 371447 (VCV000371447.7), dbSNP rs1057517279, ClinGen allele CA16040661.

ClinVar aggregate classification (germline): Pathogenic. Review status: criteria provided, single submitter (1 of 4 stars). 2 submissions from 2 submitters: Pathogenic (1). 1 of the submissions does not count toward it. Last evaluated 2024-02-02.

Conditions:
Pyknodysostosis. Also called: Pycnodysostosis. Identifiers: Orphanet 763, MedGen C0238402, MONDO:0009940, OMIM 265800.

Allele frequency attached by ClinVar (database versions not stated): TOPMed 0.00001; gnomAD 0.00003.
gnomAD v4.1: 1 of 1,613,964 alleles (0.000062%); highest among the groups gnomAD compares: Non-Finnish European, 0.000085%; no homozygotes.

Submissions (2):

Labcorp Genetics (formerly Invitae), Labcorp
Classification: Pathogenic. Last evaluated: 2024-02-02. Review status: criteria provided, single submitter. Criteria: Invitae Variant Classification Sherloc (09022015). Collection method: clinical testing. Allele origin: germline.
Comment: This sequence change affects a donor splice site in intron 2 of the CTSK gene. It is expected to disrupt RNA splicing. Variants that disrupt the donor or acceptor splice site typically lead to a loss of protein function (PMID: 16199547), and loss-of-function variants in CTSK are known to be pathogenic (PMID: 12125807, 21569238). This variant is present in population databases (no rsID available, gnomAD 0.007%). Disruption of this splice site has been observed in individuals with pycnodysostosis (PMID: 29441215; Invitae). ClinVar contains an entry for this variant (Variation ID: 371447). Algorithms developed to predict the effect of sequence changes on RNA splicing suggest that this variant may disrupt the consensus splice site. For these reasons, this variant has been classified as Pathogenic.

Counsyl
Classification: Likely pathogenic for Pyknodysostosis. Last evaluated: 2016-09-27. Review status: no assertion criteria provided. Collection method: clinical testing. Allele origin: unknown. Not counted in ClinVar's aggregate classification.

Literature cited by the submitters: PubMed 16199547 (cited by Labcorp Genetics (formerly Invitae), Labcorp); PubMed 12125807 (cited by Labcorp Genetics (formerly Invitae), Labcorp); PubMed 21569238 (cited by Labcorp Genetics (formerly Invitae), Labcorp); PubMed 29441215 (cited by Labcorp Genetics (formerly Invitae), Labcorp).